The following is an entry in ClinVar:

ClinVar aggregate classification (germline): Pathogenic (1 of 4 stars; one submission).

Submission:

Labcorp Genetics (formerly Invitae), Labcorp
Classification: Pathogenic. Last evaluated: 2025-05-10. Review status: criteria provided, single submitter. Criteria: Invitae Variant Classification Sherloc (09022015). Collection method: clinical testing. Allele origin: germline.
Comment: This sequence change creates a premature translational stop signal (p.Ser430Alafs*7) in the LCT gene. It is expected to result in an absent or disrupted protein product. Loss-of-function variants in LCT are known to be pathogenic (PMID: 16400612, 25881162). This variant is not present in population databases (gnomAD no frequency). This variant has not been reported in the literature in individuals affected with LCT-related conditions. For these reasons, this variant has been classified as Pathogenic.

Literature cited by the submitters: PubMed 16400612; PubMed 25881162.

NM_002299.4(LCT):c.1288del (p.Ser430fs)

Genes: LCT (lactase; minus strand), LOC126806353 (BRD4-independent group 4 enhancer GRCh37_chr2:136574960-136576159; plus strand). Cytogenetic location: 2q21.3.
Variant type: Deletion.
Coding change: c.1288del on transcript NM_002299.4 (MANE Select); coding-DNA position 1288, one base deleted (A; older notation c.1288delA).
Protein change: p.Ser430fs; shifts the reading frame from serine 430.
Molecular consequence: frameshift variant.
Genome position (GRCh38, 1-based): chr2:135,817,760, T deleted on the plus strand (A on the coding strand, the reverse complement: LCT is on the minus strand). VCF-style (leftmost placement, unchanged base first): chr2-135817759-CT-C. GRCh37 (hg19) VCF-style: chr2-136575329-CT-C.
Other names: short protein forms S430fs.
Identifiers: ClinVar variation 4718981 (VCV004718981.1).
Genomic context (GRCh38, chr2:135,817,759, plus strand): 5'-ACCTGAGCCCGGAGGCCGCAAAGCAGGGCGACGTCAGAGGCTACCTTGTGGTAACTGTCG[CT>C]GGCCACCTCCAGCGTCGCTTGGCCCTCAGTGGTGTTCAGGGGCCTGCGTGGATCCCAGAT-3'